The following is an entry in ClinVar:

ClinVar aggregate classification (germline): Uncertain significance (1 of 4 stars; one submission).

Conditions:
Dilated cardiomyopathy 1P (CMD1P). Identifiers: Orphanet 154, MedGen C1835928, MONDO:0012362, OMIM 609909.

Allele frequency attached by ClinVar (database versions not stated): gnomAD exomes below 0.00001.
gnomAD v4.1: 1 of 1,613,808 alleles (0.000062%); highest among the groups gnomAD compares: East Asian, 0.0022%; no homozygotes.

Submission:

Labcorp Genetics (formerly Invitae), Labcorp
Classification: Uncertain significance for Dilated cardiomyopathy 1P. Last evaluated: 2017-06-12. Review status: criteria provided, single submitter. Criteria: Invitae Variant Classification Sherloc (09022015). Collection method: clinical testing. Allele origin: germline.
Comment: This variant is not present in population databases (ExAC no frequency). This sequence change replaces serine with leucine at codon 10 of the PLN protein (p.Ser10Leu). The serine residue is highly conserved and there is a large physicochemical difference between serine and leucine. This variant has not been reported in the literature in individuals with a PLN-related disease. Algorithms developed to predict the effect of missense changes on protein structure and function (SIFT, PolyPhen-2, Align-GVGD) all suggest that this variant is likely to be disruptive, but these predictions have not been confirmed by published functional studies and their clinical significance is uncertain. In summary, this variant has uncertain impact on PLN function. The available evidence is currently insufficient to determine its role in disease. Therefore, it has been classified as a Variant of Uncertain Significance.

NM_002667.5(PLN):c.29C>T (p.Ser10Leu)

Genes: CEP85L (centrosomal protein 85L; minus strand), PLN (phospholamban; plus strand). Cytogenetic location: 6q22.31.
Variant type: single nucleotide variant.
Coding change: c.29C>T on transcript NM_002667.5 (MANE Select); coding-DNA position 29, C replaced by T.
Protein change: p.Ser10Leu; replaces serine 10 with leucine.
Molecular consequence: missense variant. On other transcripts: intron variant (3).
Genome position (GRCh38, 1-based): chr6:118,558,950, C>T. VCF-style: chr6-118558950-C-T. GRCh37 (hg19) VCF-style: chr6-118880113-C-T.
Other names: c.1029+6579G>A (NM_001178035.2); c.1020+6579G>A (NM_001042475.3, NM_206921.3); short protein forms S10L.
Identifiers: ClinVar variation 464269 (VCV000464269.8), dbSNP rs1554219846, ClinGen allele CA365546051.